The following is an entry in ClinVar:

ClinVar aggregate classification (germline): Uncertain significance (1 of 4 stars; one submission).

Conditions:
Vitamin D-dependent rickets type II with alopecia (VDDR2A). Also called: GENERALIZED RESISTANCE TO 1,25-DIHYDROXYVITAMIN D; HYPOCALCEMIC VITAMIN D-RESISTANT RICKETS; PDDR IIA; PSEUDOVITAMIN D-DEFICIENCY, TYPE IIA; RICKETS, HEREDITARY VITAMIN D-RESISTANT; RICKETS-ALOPECIA SYNDROME. Identifiers: Orphanet 93160, MedGen C0342646, MONDO:0010186, OMIM 277440.

Allele frequency attached by ClinVar (database versions not stated): gnomAD exomes 0.00001; TOPMed 0.00001.
gnomAD v4.1: 6 of 1,613,464 alleles (0.00037%); highest among the groups gnomAD compares: East Asian, 0.0067%; no homozygotes.

Submission:

Illumina Laboratory Services, Illumina
Classification: Uncertain significance for Vitamin D-dependent rickets type II with alopecia. Last evaluated: 2017-04-27. Review status: criteria provided, single submitter. Criteria: ICSL Variant Classification Criteria 13 December 2019. Collection method: clinical testing. Allele origin: germline.
Comment: This variant was observed as part of a predisposition screen in an ostensibly healthy population. A literature search was performed for the gene, cDNA change, and amino acid change (where applicable). Publications were found based on this search. However, the evidence from the literature, in combination with allele frequency data from public databases where available, was not sufficient to rule this variant in or out of causing disease. Therefore, this variant is classified as a variant of unknown significance.

Literature cited by the submitters: PubMed 26198224.

NM_000376.3(VDR):c.274G>A (p.Glu92Lys)

Gene: VDR (vitamin D receptor; minus strand). Cytogenetic location: 12q13.11.
Variant type: single nucleotide variant.
Coding change: c.274G>A on transcript NM_000376.3 (MANE Select); coding-DNA position 274, G replaced by A.
Protein change: p.Glu92Lys; replaces glutamic acid 92 with lysine.
Molecular consequence: missense variant.
Genome position (GRCh38, 1-based): chr12:47,865,050, C>T on the plus strand (G>A on the coding strand, the complement: VDR is on the minus strand). VCF-style: chr12-47865050-C-T. GRCh37 (hg19) VCF-style: chr12-48258833-C-T.
Other names: c.274G>A, p.Glu92Lys (NM_001017535.2, NM_001364085.2, NM_001374661.1 and 1 more transcripts); c.424G>A, p.Glu142Lys (NM_001017536.2); short protein forms E142K, E92K.
Identifiers: ClinVar variation 880997 (VCV000880997.4), dbSNP rs1211812683, ClinGen allele CA384511265.
Genomic context (GRCh38, chr12:47,865,050, plus strand): 5'-AGGCCTTTCCCTGACTCCACTTCAGGCCCAAACCCTGCCCAGCCCCTGGACACTCACACT[C>T]CTTCATCATGCCGATGTCCACACAGCGTTTGAGCCGGCAGGCCTGGCAGTGGCGTCGGTT-3'
Protein context (NP_000367.1, residues 82-102): KRCVDIGMMK[Glu92Lys]FILTDEEVQR